The following is an entry in ClinVar:

NM_004006.3(DMD):c.7456C>T (p.Leu2486Phe)

Gene: DMD (dystrophin; minus strand). Cytogenetic location: Xp21.1.
Variant type: single nucleotide variant.
Coding change: c.7456C>T on transcript NM_004006.3 (MANE Select); coding-DNA position 7456, C replaced by T.
Protein change: p.Leu2486Phe; replaces leucine 2486 with phenylalanine.
Molecular consequence: missense variant.
Genome position (GRCh38, 1-based): chrX:31,774,046, G>A on the plus strand (C>T on the coding strand, the complement: DMD is on the minus strand). VCF-style: chrX-31774046-G-A. GRCh37 (hg19) VCF-style: chrX-31792163-G-A.
Other names: c.7432C>T, p.Leu2478Phe (NM_000109.4); c.7444C>T, p.Leu2482Phe (NM_004009.3); c.7087C>T, p.Leu2363Phe (NM_004010.3); c.3433C>T, p.Leu1145Phe (NM_004011.4); c.3424C>T, p.Leu1142Phe (NM_004012.4); c.76C>T, p.Leu26Phe (NM_004013.3, NM_004020.4, NM_004021.3 and 2 more transcripts); short protein forms L1142F, L1145F, L2363F, L2478F, L2482F, L2486F, L26F.
Identifiers: ClinVar variation 1809896 (VCV001809896.1), dbSNP rs2090508593, ClinGen allele CA412658891.

ClinVar aggregate classification (germline): Uncertain significance (1 of 4 stars; one submission).

Submission:

GeneDx
Classification: Uncertain significance. Last evaluated: 2022-06-30. Review status: criteria provided, single submitter. Criteria: GeneDx Variant Classification Process June 2021. Collection method: clinical testing. Allele origin: germline. Affected: yes.
Comment: Not observed at significant frequency in large population cohorts (gnomAD); In silico analysis supports that this missense variant has a deleterious effect on protein structure/function; Has not been previously published as pathogenic or benign to our knowledge